The following is an entry in ClinVar:

ClinVar aggregate classification (germline): Benign/Likely benign. Review status: criteria provided, multiple submitters, no conflicts (2 of 4 stars). 13 submissions from 13 submitters: Benign (6); Likely benign (4). 3 of the submissions do not count toward it. Last evaluated 2026-07-01.

Conditions:
Bartter syndrome. Identifiers: Orphanet 112, MedGen C0004775, MONDO:0015231.
Bartter disease type 4A. Also called: BARTTER SYNDROME, TYPE 4A, NEONATAL, WITH SENSORINEURAL DEAFNESS; BARTTER SYNDROME, NEONATAL, WITH SENSORINEURAL DEAFNESS. Identifiers: Orphanet 112, MedGen C1865270, MONDO:0011242, OMIM 602522.

Allele frequency attached by ClinVar (database versions not stated): gnomAD 0.00125 and 0.00145; ESP Exome Variant Server 0.00138; TOPMed 0.00175; gnomAD exomes 0.00202 and 0.00252; ExAC 0.00250; 1000 Genomes Project 30x 0.00265; 1000 Genomes Project 0.00319.
gnomAD v4.1: 3,219 of 1,614,204 alleles (0.2%); highest among the groups gnomAD compares: Middle Eastern, 0.96%; 22 homozygotes.

Submissions (13):

CeGaT Center for Human Genetics Tuebingen
Classification: Likely benign. Last evaluated: 2026-07-01. Review status: criteria provided, single submitter. Criteria: CeGaT Center For Human Genetics Tuebingen Variant Classification Criteria Version 2. Collection method: clinical testing. Allele origin: germline. Affected: yes. Observed: 3 variant alleles.
Comment: BSND: BP4, BP7, BS2

Labcorp Genetics (formerly Invitae), Labcorp
Classification: Benign. Last evaluated: 2026-01-27. Review status: criteria provided, single submitter. Criteria: Invitae Variant Classification Sherloc (09022015). Collection method: clinical testing. Allele origin: germline.

Blueprint Genetics
Classification: Likely benign. Last evaluated: 2024-11-21. Review status: criteria provided, single submitter. Criteria: ACMG Guidelines, 2015. Collection method: clinical testing. Allele origin: germline.

Mayo Clinic Laboratories, Mayo Clinic
Classification: Benign. Last evaluated: 2023-06-09. Review status: criteria provided, single submitter. Criteria: ACMG Guidelines, 2015. Collection method: clinical testing. Allele origin: germline. Observed: 2 variant alleles.
Comment: BS1, BS2, BP4, BP7

Genome-Nilou Lab
Classification: Benign for Bartter disease type 4A. Last evaluated: 2021-06-10. Review status: criteria provided, single submitter. Criteria: ACMG Guidelines, 2015. Collection method: clinical testing. Allele origin: germline. Affected: no.

GeneDx
Classification: Benign. Last evaluated: 2018-05-29. Review status: criteria provided, single submitter. Criteria: GeneDx Variant Classification (06012015). Collection method: clinical testing. Allele origin: germline. Affected: yes.
Comment: This variant is considered likely benign or benign based on one or more of the following criteria: it is a conservative change, it occurs at a poorly conserved position in the protein, it is predicted to be benign by multiple in silico algorithms, and/or has population frequency not consistent with disease.

Illumina Laboratory Services, Illumina
Classification: Likely benign for Bartter disease type 4A. Last evaluated: 2018-01-13. Review status: criteria provided, single submitter. Criteria: ICSL Variant Classification Criteria 13 December 2019. Collection method: clinical testing. Allele origin: germline.
Comment: This variant was observed in the ICSL laboratory as part of a predisposition screen in an ostensibly healthy population. It had not been previously curated by ICSL or reported in the Human Gene Mutation Database (HGMD: prior to June 1st, 2018), and was therefore a candidate for classification through an automated scoring system. Utilizing variant allele frequency, disease prevalence and penetrance estimates, and inheritance mode, an automated score was calculated to assess if this variant is too frequent to cause the disease. Based on the score and internal cut-off values, a variant classified as likely benign is not then subjected to further curation. The score for this variant resulted in a classification of likely benign for this disease.

Eurofins Ntd Llc (ga)
Classification: Benign. Last evaluated: 2016-09-09. Review status: criteria provided, single submitter. Criteria: EGL Classification Definitions 2015. Collection method: clinical testing. Allele origin: germline. Observed: 1 variant allele, 1 heterozygote.

Laboratory for Molecular Medicine, Mass General Brigham Personalized Medicine
Classification: Benign. Last evaluated: 2015-07-01. Review status: criteria provided, single submitter. Criteria: LMM Criteria. Collection method: clinical testing. Allele origin: germline. Observed: 12 variant alleles.
Comment: p.Val63Val in exon 02 of BSND: This variant is not expected to have clinical sig nificance because it does not alter an amino acid residue, is not located within the splice consensus sequence, and has been identified in 0.7% of South Asian c hromosomes by the Exome Aggregation Consortium (ExAC .org; dbSNP rs144505461).

Breakthrough Genomics
Classification: Likely benign. Review status: criteria provided, single submitter. Criteria: ACMG Guidelines, 2015. Collection method: not provided. Allele origin: germline. Inheritance: Autosomal recessive inheritance. Affected: yes.

Natera, Inc.
Classification: Likely benign for Bartter syndrome. Last evaluated: 2019-10-22. Review status: no assertion criteria provided. Collection method: clinical testing. Allele origin: germline. Not counted in ClinVar's aggregate classification.

Clinical Genetics DNA and cytogenetics Diagnostics Lab, Erasmus MC, Erasmus Medical Center
Classification: Likely benign. Review status: no assertion criteria provided. Collection method: clinical testing. Allele origin: germline. Affected: yes. Study: VKGL Data-share Consensus. Not counted in ClinVar's aggregate classification.

Genome Diagnostics Laboratory, University Medical Center Utrecht
Classification: Likely benign. Review status: no assertion criteria provided. Collection method: clinical testing. Allele origin: germline. Affected: yes. Study: VKGL Data-share Consensus. Not counted in ClinVar's aggregate classification.

NM_057176.3(BSND):c.189C>T (p.Val63=)

Gene: BSND (barttin CLCNK type accessory subunit beta; plus strand). Cytogenetic location: 1p32.3.
Variant type: single nucleotide variant.
Coding change: c.189C>T on transcript NM_057176.3 (MANE Select); coding-DNA position 189, C replaced by T.
Protein change: p.Val63=; no amino-acid change (valine 63 retained).
Molecular consequence: synonymous variant.
Genome position (GRCh38, 1-based): chr1:55,005,033, C>T. VCF-style: chr1-55005033-C-T. GRCh37 (hg19) VCF-style: chr1-55470706-C-T.
Other names: p.Val63=.
Identifiers: ClinVar variation 46549 (VCV000046549.58), dbSNP rs144505461, ClinGen allele CA138602.